The following is an entry in ClinVar:

NM_001048174.2(MUTYH):c.1026G>T (p.Glu342Asp)

Gene: MUTYH (mutY DNA glycosylase; minus strand). Cytogenetic location: 1p34.1.
Variant type: single nucleotide variant.
Coding change: c.1026G>T on transcript NM_001048174.2 (MANE Select); coding-DNA position 1026, G replaced by T.
Protein change: p.Glu342Asp; replaces glutamic acid 342 with aspartic acid.
Molecular consequence: missense variant. On other transcripts: non-coding transcript variant (7).
Genome position (GRCh38, 1-based): chr1:45,331,737, C>A on the plus strand (G>T on the coding strand, the complement: MUTYH is on the minus strand). VCF-style: chr1-45331737-C-A. GRCh37 (hg19) VCF-style: chr1-45797409-C-A.
Other names: c.1026G>T, p.Glu342Asp (NM_001048171.2, NM_001048173.2, NM_001407070.1 and 6 more transcripts); c.1029G>T, p.Glu343Asp (NM_001048172.2, NM_001407071.1, NM_001407078.1 and 1 more transcripts); c.942G>T, p.Glu314Asp (NM_001407075.1); c.1059G>T, p.Glu353Asp (NM_001407077.1, NM_001293191.2, NM_001407069.1); c.987G>T, p.Glu329Asp (NM_001407079.1); c.984G>T, p.Glu328Asp (NM_001407080.1); c.1110G>T, p.Glu370Asp (NM_001128425.2); c.1071G>T, p.Glu357Asp (NM_001293190.2); and 5 more; short protein forms E227D, E314D, E328D, E329D, E342D, E370D, E250D, E349D.
Identifiers: ClinVar variation 4113026 (VCV004113026.1).

ClinVar aggregate classification (germline): Uncertain significance (1 of 4 stars; one submission).

Conditions:
Hereditary cancer-predisposing syndrome. Also called: Tumor predisposition; Neoplastic Syndromes, Hereditary; Hereditary neoplastic syndrome; Hereditary Cancer Syndrome. Identifiers: Orphanet 140162, MedGen C0027672, MeSH D009386, MONDO:0015356.

Submission:

Ambry Genetics
Classification: Uncertain significance for Hereditary cancer-predisposing syndrome. Last evaluated: 2025-08-27. Review status: criteria provided, single submitter. Criteria: Ambry Variant Classification Scheme 2023. Collection method: clinical testing. Allele origin: germline.
Comment: The p.E370D variant (also known as c.1110G>T), located in coding exon 12 of the MUTYH gene, results from a G to T substitution at nucleotide position 1110. The glutamic acid at codon 370 is replaced by aspartic acid, an amino acid with highly similar properties. This amino acid position is conserved. In addition, this alteration is predicted to be tolerated by in silico analysis. Based on the available evidence, the clinical significance of this variant remains unclear.